The following is an entry in ClinVar:

NM_004523.4(KIF11):c.131A>G (p.Asp44Gly)

Gene: KIF11 (kinesin family member 11; plus strand). Cytogenetic location: 10q23.33.
Variant type: single nucleotide variant.
Coding change: c.131A>G on transcript NM_004523.4 (MANE Select); coding-DNA position 131, A replaced by G.
Protein change: p.Asp44Gly; replaces aspartic acid 44 with glycine.
Molecular consequence: missense variant.
Genome position (GRCh38, 1-based): chr10:92,606,318, A>G. VCF-style: chr10-92606318-A-G. GRCh37 (hg19) VCF-style: chr10-94366075-A-G.
Other names: short protein forms D44G.
Identifiers: ClinVar variation 1029852 (VCV001029852.1), dbSNP rs1844430488, ClinGen allele CA377587789.

ClinVar aggregate classification (germline): Uncertain significance (1 of 4 stars; one submission).

Conditions:
Microcephaly with or without chorioretinopathy, lymphedema, or impaired intellectual development. Also called: Microcephaly with or without chorioretinopathy, lymphedema, or mental retardation; MICROCEPHALY AND CHORIORETINOPATHY WITH OR WITHOUT MENTAL RETARDATION, AUTOSOMAL DOMINANT; MICROCEPHALY, LYMPHEDEMA, CHORIORETINAL DYSPLASIA SYNDROME; Microcephaly with or without chorioretinopathy, lymphedema, or intellectual disability; Microcephaly lymphedema chorioretinal dysplasia. Identifiers: Orphanet 2526, MedGen C1835265, MONDO:0007918, OMIM 152950.

Submission:

Baylor Genetics
Classification: Uncertain significance for Microcephaly with or without chorioretinopathy, lymphedema, or impaired intellectual development. Last evaluated: 2019-11-20. Review status: criteria provided, single submitter. Criteria: ACMG Guidelines, 2015. Collection method: clinical testing. Allele origin: unknown. Affected: yes.
Comment: This variant was determined to be of uncertain significance according to ACMG Guidelines, 2015 [PMID:25741868].